The following is an entry in ClinVar:

ClinVar aggregate classification (germline): Uncertain significance (1 of 4 stars; one submission).

Conditions:
Hereditary spastic paraplegia 6 (SPG6). Also called: SPASTIC PARAPLEGIA 6, AUTOSOMAL DOMINANT. Identifiers: Orphanet 100988, MedGen C1838192, MONDO:0010878, OMIM 600363.

Allele frequency attached by ClinVar (database versions not stated): gnomAD exomes below 0.00001.
gnomAD v4.1: 2 of 1,596,522 alleles (0.00013%); highest among the groups gnomAD compares: Non-Finnish European, 0.00017%; no homozygotes.

Submission:

Institute of Human Genetics, University of Goettingen
Classification: Uncertain significance for Hereditary spastic paraplegia 6. Last evaluated: 2022-06-02. Review status: criteria provided, single submitter. Criteria: ACMG Guidelines, 2015. Collection method: clinical testing. Allele origin: unknown. Inheritance: Autosomal dominant inheritance. Observed: 1 heterozygote.
Comment: The variant c.179-5T>C (p.?) in intron 1 of the NIPA1-gene is not found in the gnomAD database and affects a weakly conserved nucleotide. This variant has a benign computational verdict based on in silico splicing prediction programmes (varSEAK SSP, SpliceSiteFinder-like, MaxEntScan, NNSPLICE and GeneSplicer). The given pLI-score for the NIPA1-gene is 0.01. Up to date two mutational hotspots within the NIPA1-gene have been described as pathogenic (missense mutations: p.Thr45 and p.Gly106). ACMG criteria used for classification: PM2, BP4.

NM_144599.5(NIPA1):c.179-5T>C

Gene: NIPA1 (NIPA magnesium transporter 1; plus strand). Cytogenetic location: 15q11.2.
Variant type: single nucleotide variant.
Coding change: c.179-5T>C on transcript NM_144599.5 (MANE Select); 5 bases into the intron before coding-DNA position 179, T replaced by C.
Molecular consequence: intron variant.
Genome position (GRCh38, 1-based): chr15:22,810,744, T>C. VCF-style: chr15-22810744-T-C. GRCh37 (hg19) VCF-style: chr15-23062324-A-G.
Other names: c.-47-5T>C (NM_001142275.1).
Identifiers: ClinVar variation 1697220 (VCV001697220.2), dbSNP rs774341557, ClinGen allele CA2575647916.